The following is an entry in ClinVar:

NM_001081.4(CUBN):c.8657T>A (p.Val2886Glu)

Gene: CUBN (cubilin; minus strand). Cytogenetic location: 10p13.
Variant type: single nucleotide variant.
Coding change: c.8657T>A on transcript NM_001081.4 (MANE Select); coding-DNA position 8657, T replaced by A.
Protein change: p.Val2886Glu; replaces valine 2886 with glutamic acid.
Molecular consequence: missense variant.
Genome position (GRCh38, 1-based): chr10:16,890,469, A>T on the plus strand (T>A on the coding strand, the complement: CUBN is on the minus strand). VCF-style: chr10-16890469-A-T. GRCh37 (hg19) VCF-style: chr10-16932468-A-T.
Other names: short protein forms V2886E.
Identifiers: ClinVar variation 4705487 (VCV004705487.1).

ClinVar aggregate classification (germline): Uncertain significance (1 of 4 stars; one submission).

Conditions:
Imerslund-Grasbeck syndrome. Also called: Imerslund-Gräsbeck syndrome; ENTEROCYTE COBALAMIN MALABSORPTION; ENTEROCYTE INTRINSIC FACTOR RECEPTOR, DEFECT OF; PERNICIOUS ANEMIA, JUVENILE, DUE TO SELECTIVE INTESTINAL MALABSORPTION OF VITAMIN B12, WITH PROTEINURIA; Megaloblastic anemia due to inborn errors of metabolism. Identifiers: Orphanet 35858, MedGen C4551825, MONDO:0009853.

gnomAD v4.1: 3 of 1,614,072 alleles (0.00019%); highest among the groups gnomAD compares: South Asian, 0.0033%; no homozygotes.

Submission:

Labcorp Genetics (formerly Invitae), Labcorp
Classification: Uncertain significance for Imerslund-Grasbeck syndrome. Last evaluated: 2025-12-18. Review status: criteria provided, single submitter. Criteria: Invitae Variant Classification Sherloc (09022015). Collection method: clinical testing. Allele origin: germline.
Comment: This sequence change replaces valine, which is neutral and non-polar, with glutamic acid, which is acidic and polar, at codon 2886 of the CUBN protein (p.Val2886Glu). This variant is not present in population databases (gnomAD no frequency). This variant has not been reported in the literature in individuals affected with CUBN-related conditions. Invitae Evidence Modeling of protein sequence and biophysical properties (such as structural, functional, and spatial information, amino acid conservation, physicochemical variation, residue mobility, and thermodynamic stability) indicates that this missense variant is not expected to disrupt CUBN protein function with a negative predictive value of 80%. In summary, the available evidence is currently insufficient to determine the role of this variant in disease. Therefore, it has been classified as a Variant of Uncertain Significance.